The following is an entry in ClinVar:

ClinVar aggregate classification (germline): Uncertain significance. Review status: criteria provided, multiple submitters, no conflicts (2 of 4 stars). 2 submissions from 2 submitters: Uncertain significance (2). Last evaluated 2024-07-09.

Conditions:
Pheochromocytoma. Also called: MAX-Related Hereditary Paraganglioma-Pheochromocytoma Syndrome. Identifiers: Orphanet 29072, MedGen C0031511, MONDO:0008233, OMIM 171300, HP:0002666.
Gastrointestinal stromal tumor. Also called: Gastrointestinal stromal tumor, somatic; Gastrointestinal stroma tumor. Identifiers: Orphanet 44890, MedGen C0238198, MeSH D046152, MONDO:0011719, OMIM 606764, HP:0100723.
Pheochromocytoma/paraganglioma syndrome 4. Also called: CAROTID BODY TUMORS AND MULTIPLE EXTRAADRENAL PHEOCHROMOCYTOMAS; PARAGANGLIOMA, FAMILIAL MALIGNANT; PARAGANGLIOMAS, HEREDITARY EXTRAADRENAL; PHEOCHROMOCYTOMA, FAMILIAL EXTRAADRENAL; Paragangliomas 4; SDHB-Related Hereditary Paraganglioma-Pheochromocytoma Syndrome (Paragangliomas 4). Identifiers: Orphanet 29072, MedGen C1861848, MONDO:0007273, OMIM 115310.
Hereditary cancer-predisposing syndrome. Also called: Neoplastic Syndromes, Hereditary; Hereditary neoplastic syndrome; Tumor predisposition; Hereditary Cancer Syndrome. Identifiers: Orphanet 140162, MedGen C0027672, MeSH D009386, MONDO:0015356.

Allele frequency attached by ClinVar (database versions not stated): gnomAD exomes below 0.00001; TOPMed below 0.00001; gnomAD 0.00001.
gnomAD v4.1: 4 of 1,613,926 alleles (0.00025%); highest among the groups gnomAD compares: Admixed American, 0.0017%; no homozygotes.

Submissions (2):

Ambry Genetics
Classification: Uncertain significance for Hereditary cancer-predisposing syndrome. Last evaluated: 2024-07-09. Review status: criteria provided, single submitter. Criteria: Ambry Variant Classification Scheme 2023. Collection method: clinical testing. Allele origin: germline.
Comment: The p.P49S variant (also known as c.145C>T), located in coding exon 2 of the SDHB gene, results from a C to T substitution at nucleotide position 145. The proline at codon 49 is replaced by serine, an amino acid with similar properties. This amino acid position is conserved. In addition, this alteration is predicted to be deleterious by in silico analysis. Based on the available evidence, the clinical significance of this variant remains unclear.

Labcorp Genetics (formerly Invitae), Labcorp
Classification: Uncertain significance for Gastrointestinal stromal tumor; Pheochromocytoma/paraganglioma syndrome 4; Pheochromocytoma. Last evaluated: 2023-05-08. Review status: criteria provided, single submitter. Criteria: Invitae Variant Classification Sherloc (09022015). Collection method: clinical testing. Allele origin: germline.
Comment: In summary, the available evidence is currently insufficient to determine the role of this variant in disease. Therefore, it has been classified as a Variant of Uncertain Significance. Advanced modeling of protein sequence and biophysical properties (such as structural, functional, and spatial information, amino acid conservation, physicochemical variation, residue mobility, and thermodynamic stability) performed at Invitae indicates that this missense variant is not expected to disrupt SDHB protein function. This variant has not been reported in the literature in individuals affected with SDHB-related conditions. This variant is not present in population databases (gnomAD no frequency). This sequence change replaces proline, which is neutral and non-polar, with serine, which is neutral and polar, at codon 49 of the SDHB protein (p.Pro49Ser).

NM_003000.3(SDHB):c.145C>T (p.Pro49Ser)

Gene: SDHB (succinate dehydrogenase complex iron sulfur subunit B; minus strand). Cytogenetic location: 1p36.13.
Variant type: single nucleotide variant.
Coding change: c.145C>T on transcript NM_003000.3 (MANE Select); coding-DNA position 145, C replaced by T.
Protein change: p.Pro49Ser; replaces proline 49 with serine.
Molecular consequence: missense variant.
Genome position (GRCh38, 1-based): chr1:17,044,816, G>A on the plus strand (C>T on the coding strand, the complement: SDHB is on the minus strand). VCF-style: chr1-17044816-G-A. GRCh37 (hg19) VCF-style: chr1-17371311-G-A.
Other names: c.145C>T, p.Pro49Ser (NM_001407361.1); short protein forms P49S.
Identifiers: ClinVar variation 2939463 (VCV002939463.4), dbSNP rs2078100145, ClinGen allele CA338228020.